The following is an entry in ClinVar:

NM_007227.3(GPR45):c.535G>A (p.Ala179Thr)

Gene: GPR45 (G protein-coupled receptor 45; plus strand). Cytogenetic location: 2q12.1.
Variant type: single nucleotide variant.
Coding change: c.535G>A on transcript NM_007227.3 (MANE Select); coding-DNA position 535, G replaced by A.
Protein change: p.Ala179Thr; replaces alanine 179 with threonine.
Molecular consequence: missense variant.
Genome position (GRCh38, 1-based): chr2:105,242,393, G>A. VCF-style: chr2-105242393-G-A. GRCh37 (hg19) VCF-style: chr2-105858850-G-A.
Other names: short protein forms A179T.
Identifiers: ClinVar variation 2860957 (VCV002860957.4), dbSNP rs757225198, ClinGen allele CA1813608.

ClinVar aggregate classification (germline): Uncertain significance. Review status: criteria provided, multiple submitters, no conflicts (2 of 4 stars). 2 submissions from 2 submitters: Uncertain significance (2). Last evaluated 2026-01-05.

Allele frequency attached by ClinVar (database versions not stated): gnomAD 0.00005; ExAC 0.00003.
gnomAD v4.1: 137 of 1,611,974 alleles (0.0085%); highest among the groups gnomAD compares: Non-Finnish European, 0.011%; no homozygotes.

Submissions (2):

Labcorp Genetics (formerly Invitae), Labcorp
Classification: Uncertain significance. Last evaluated: 2026-01-05. Review status: criteria provided, single submitter. Criteria: Invitae Variant Classification Sherloc (09022015). Collection method: clinical testing. Allele origin: germline.
Comment: This sequence change replaces alanine, which is neutral and non-polar, with threonine, which is neutral and polar, at codon 179 of the GPR45 protein (p.Ala179Thr). This variant is present in population databases (rs757225198, gnomAD 0.008%). This variant has not been reported in the literature in individuals affected with GPR45-related conditions. ClinVar contains an entry for this variant (Variation ID: 2860957). An algorithm developed to predict the effect of missense changes on protein structure and function (PolyPhen-2) suggests that this variant is likely to be tolerated. In summary, the available evidence is currently insufficient to determine the role of this variant in disease. Therefore, it has been classified as a Variant of Uncertain Significance.

Ambry Genetics
Classification: Uncertain significance. Last evaluated: 2024-01-16. Review status: criteria provided, single submitter. Criteria: Ambry Variant Classification Scheme 2023. Collection method: clinical testing. Allele origin: germline.